The following is an entry in ClinVar:

ClinVar aggregate classification (germline): Uncertain significance (1 of 4 stars; one submission).

Conditions:
Joubert syndrome. Also called: JOUBERT-BOLTSHAUSER SYNDROME; Familial aplasia of the vermis. Identifiers: Orphanet 475, MedGen C5979921, MONDO:0018772.
Meckel-Gruber syndrome. Also called: Dysencephalia splachnocystica; DYSENCEPHALIA SPLANCHNOCYSTICA; GRUBER SYNDROME. Identifiers: Orphanet 564, MedGen C0265215, MONDO:0018921.

Allele frequency attached by ClinVar (database versions not stated): gnomAD exomes below 0.00001.
gnomAD v4.1: 1 of 1,613,490 alleles (0.000062%); highest among the groups gnomAD compares: Non-Finnish European, 0.000085%; no homozygotes.

Submission:

Labcorp Genetics (formerly Invitae), Labcorp
Classification: Uncertain significance for Joubert syndrome; Meckel-Gruber syndrome. Last evaluated: 2020-09-05. Review status: criteria provided, single submitter. Criteria: Invitae Variant Classification Sherloc (09022015). Collection method: clinical testing. Allele origin: germline.
Comment: In summary, the available evidence is currently insufficient to determine the role of this variant in disease. Therefore, it has been classified as a Variant of Uncertain Significance. Advanced modeling of protein sequence and biophysical properties (such as structural, functional, and spatial information, amino acid conservation, physicochemical variation, residue mobility, and thermodynamic stability) performed at Invitae indicates that this missense variant is not expected to disrupt CC2D2A protein function. This variant has not been reported in the literature in individuals with CC2D2A-related conditions. This variant is not present in population databases (ExAC no frequency). This sequence change replaces isoleucine with valine at codon 809 of the CC2D2A protein (p.Ile809Val). The isoleucine residue is weakly conserved and there is a small physicochemical difference between isoleucine and valine.

NM_001378615.1(CC2D2A):c.2425A>G (p.Ile809Val)

Genes: CC2D2A (coiled-coil and C2 domain containing 2A; plus strand), FBXL5 (F-box and leucine rich repeat protein 5; minus strand). Cytogenetic location: 4p15.32.
Variant type: single nucleotide variant.
Coding change: c.2425A>G on transcript NM_001378615.1 (MANE Select); coding-DNA position 2425, A replaced by G.
Protein change: p.Ile809Val; replaces isoleucine 809 with valine.
Molecular consequence: missense variant.
Genome position (GRCh38, 1-based): chr4:15,553,244, A>G. VCF-style: chr4-15553244-A-G. GRCh37 (hg19) VCF-style: chr4-15554867-A-G.
Other names: c.2425A>G, p.Ile809Val (NM_001080522.2); c.2278A>G, p.Ile760Val (NM_001378617.1); short protein forms I760V, I809V.
Identifiers: ClinVar variation 1019028 (VCV001019028.8), dbSNP rs1719097213, ClinGen allele CA356419304.
Genomic context (GRCh38, chr4:15,553,244, plus strand): 5'-GGCAGTAACCAGCTGACTCTGATGACCTCAGGGAAAGTGTCTCATAGTGTGGCATGGGCC[A>G]TTGGAGAAAACGGGATACCTTTAATTCCTCCATTGTCACAGCAGAACATCGGATTTCGGA-3'
Protein context (NP_001365544.1, residues 799-819): GKVSHSVAWA[Ile809Val]GENGIPLIPP